The following is an entry in ClinVar:

ClinVar aggregate classification (germline): Pathogenic/Likely pathogenic. Review status: criteria provided, multiple submitters, no conflicts (2 of 4 stars). 4 submissions from 4 submitters: Pathogenic (2); Likely pathogenic (1). 1 of the submissions does not count toward it. Last evaluated 2025-03-27.

Conditions:
Autosomal recessive nonsyndromic hearing loss 49. Also called: Deafness, neurosensory, autosomal recessive 49. Identifiers: Orphanet 90636, MedGen C1857811, MONDO:0012420, OMIM 610153.

Allele frequency attached by ClinVar (database versions not stated): ExAC 0.00001; gnomAD exomes 0.00001.
gnomAD v4.1: 13 of 1,614,082 alleles (0.00081%); highest among the groups gnomAD compares: South Asian, 0.012%; no homozygotes.

Submissions (4):

First Genomix Gene Laboratory, Genetic Diagnostics Department
Classification: Pathogenic for Autosomal recessive nonsyndromic hearing loss 49. Last evaluated: 2025-03-27. Review status: criteria provided, single submitter. Criteria: ACMG Guidelines, 2015. Collection method: clinical testing. Allele origin: germline. Inheritance: Autosomal recessive inheritance. Affected: no. Observed: 1 variant allele.

Department of Pathology and Laboratory Medicine, Sinai Health System
Classification: Pathogenic for Autosomal recessive nonsyndromic hearing loss 49. Last evaluated: 2023-01-24. Review status: criteria provided, single submitter. Criteria: ACMG Guidelines, 2015. Collection method: research. Allele origin: germline.

UNC Molecular Genetics  Laboratory, University of North Carolina at Chapel Hill
Classification: Likely pathogenic for Deafness, autosomal recessive 49. Review status: criteria provided, single submitter. Criteria: ACMG Guidelines, 2015. Collection method: research. Allele origin: germline. Affected: yes. Observed: 1 variant allele. Study: NSIGHT-NC NEXUS.
Comment: MARVELD2 (also known as TRIC, encoding tricellulin) c.1183-1G>A (p.?) alters a splice-site that has been reported to result in the deletion of the first 17 nucleotides of TRIC exon 4, leading to a frameshift and premature termination of protein translation (PMID: 17186462). This variant segregated with autosomal recessive nonsyndromic hearing loss in one family (PMID: 17186462).

OMIM
Classification: Pathogenic for DEAFNESS, AUTOSOMAL RECESSIVE 49. Last evaluated: 2006-12-01. Review status: no assertion criteria provided. Collection method: literature only. Allele origin: germline. Not counted in ClinVar's aggregate classification.

Literature cited by the submitters: PubMed 17186462 (cited by UNC Molecular Genetics  Laboratory, University of North Carolina at Chapel Hill and OMIM).

NM_001038603.3(MARVELD2):c.1183-1G>A

Gene: MARVELD2 (MARVEL domain containing 2; plus strand). Cytogenetic location: 5q13.2.
Variant type: single nucleotide variant.
Coding change: c.1183-1G>A on transcript NM_001038603.3 (MANE Select); the canonical splice acceptor site of the intron before coding-DNA position 1183, G replaced by A.
Molecular consequence: splice acceptor variant.
Genome position (GRCh38, 1-based): chr5:69,432,526, G>A. VCF-style: chr5-69432526-G-A. GRCh37 (hg19) VCF-style: chr5-68728353-G-A.
Other names: IVS3AS, G-A, -1; c.1147-1G>A (NM_001244734.2).
Identifiers: ClinVar variation 1195 (VCV000001195.6), dbSNP rs200781822, ClinGen allele CA3294206.
Genomic context (GRCh38, chr5:69,432,526, plus strand): 5'-TTCAGAGGGTTTTTTTCTACTTATGTTTATTAACAAATCCTCTTTTTCTCCCTAACTGCA[G>A]TGTGAAATGGCCACCAGTGGTGACAGACAAAGAGACTCAGAAGTTAATTTCAAGGAACTG-3'